The following is an entry in ClinVar:

NM_001378328.1(CELSR1):c.202G>A (p.Gly68Ser)

Gene: CELSR1 (cadherin EGF LAG seven-pass G-type receptor 1; minus strand). Cytogenetic location: 22q13.31.
Variant type: single nucleotide variant.
Coding change: c.202G>A on transcript NM_001378328.1 (MANE Select); coding-DNA position 202, G replaced by A.
Protein change: p.Gly68Ser; replaces glycine 68 with serine.
Molecular consequence: missense variant.
Genome position (GRCh38, 1-based): chr22:46,536,969, C>T on the plus strand (G>A on the coding strand, the complement: CELSR1 is on the minus strand). VCF-style: chr22-46536969-C-T. GRCh37 (hg19) VCF-style: chr22-46932866-C-T.
Other names: c.202G>A, p.Gly68Ser (NM_014246.4); short protein forms G68S.
Identifiers: ClinVar variation 2636812 (VCV002636812.1), dbSNP rs912927406, ClinGen allele CA325177983.

ClinVar aggregate classification (germline): Uncertain significance (1 of 4 stars; one submission).

Conditions:
CELSR1-related disorder. Also called: CELSR1-related condition.

Allele frequency attached by ClinVar (database versions not stated): gnomAD 0.00001; TOPMed 0.00001; gnomAD exomes 0.00002.
gnomAD v4.1: 4 of 1,143,782 alleles (0.00035%); highest among the groups gnomAD compares: Non-Finnish European, 0.00043%; no homozygotes.

Submission:

PreventionGenetics, part of Exact Sciences
Classification: Uncertain significance for CELSR1-related condition. Last evaluated: 2023-02-03. Review status: criteria provided, single submitter. Criteria: ACMG Guidelines, 2015. Collection method: clinical testing. Allele origin: germline.
Comment: The CELSR1 c.202G>A variant is predicted to result in the amino acid substitution p.Gly68Ser. To our knowledge, this variant has not been reported in the literature or in a large population database, indicating this variant is rare. At this time, the clinical significance of this variant is uncertain due to the absence of conclusive functional and genetic evidence.